The following is an entry in ClinVar:

ClinVar aggregate classification (germline): Likely benign. Review status: criteria provided, multiple submitters, no conflicts (2 of 4 stars). 4 submissions from 4 submitters: Likely benign (4). Last evaluated 2026-04-06.

Conditions:
Familial thoracic aortic aneurysm and aortic dissection (TAAD). Also called: Thoracic aortic aneurysms and dissections. Identifiers: Orphanet 91387, MedGen C4707243, MONDO:0019625.
Ehlers-Danlos syndrome, type 4 (EDSVASC). Also called: Ehlers-Danlos syndrome vascular type; Ehlers Danlos syndrome, ecchymotic type; Ehlers Danlos syndrome, arterial type; Ehlers Danlos syndrome, Sack-Barabas type; Ehlers-Danlos Syndrome Type IV. Identifiers: Orphanet 286, MedGen C0268338, MONDO:0017314, OMIM 130050.

Allele frequency attached by ClinVar (database versions not stated): gnomAD exomes below 0.00001 and 0.00001; ExAC 0.00001; TOPMed 0.00004; gnomAD 0.00005 and 0.00006.
gnomAD v4.1: 11 of 1,613,916 alleles (0.00068%); highest among the groups gnomAD compares: African/African-American, 0.011%; no homozygotes.

Submissions (4):

Women's Health and Genetics/Laboratory Corporation of America, LabCorp
Classification: Likely benign. Last evaluated: 2026-04-06. Review status: criteria provided, single submitter. Criteria: LabCorp Variant Classification Summary - May 2015. Collection method: clinical testing. Allele origin: germline.

All of Us Research Program, National Institutes of Health
Classification: Likely benign for Ehlers-Danlos syndrome, type 4. Last evaluated: 2024-04-16. Review status: criteria provided, single submitter. Criteria: ACMG Guidelines, 2015. Collection method: clinical testing. Allele origin: germline. Inheritance: Autosomal dominant inheritance. Observed: 1 variant allele, 1 heterozygote.
Comment: This study involves interpretation of variants in research participants for the purpose of population health screening. Participant phenotype was not available at the time of variant classification. Additional details can be found in publication PMID: 35346344, PMCID: PMC8962531

Labcorp Genetics (formerly Invitae), Labcorp
Classification: Likely benign for Ehlers-Danlos syndrome, type 4. Last evaluated: 2024-03-28. Review status: criteria provided, single submitter. Criteria: Invitae Variant Classification Sherloc (09022015). Collection method: clinical testing. Allele origin: germline.

Color Diagnostics, LLC DBA Color Health
Classification: Likely benign for Familial thoracic aortic aneurysm and aortic dissection. Last evaluated: 2023-11-29. Review status: criteria provided, single submitter. Criteria: ACMG Guidelines, 2015. Collection method: clinical testing. Allele origin: germline.

NM_000090.4(COL3A1):c.3993C>T (p.Ser1331=)

Gene: COL3A1 (collagen type III alpha 1 chain; plus strand). Cytogenetic location: 2q32.2.
Variant type: single nucleotide variant.
Coding change: c.3993C>T on transcript NM_000090.4 (MANE Select); coding-DNA position 3993, C replaced by T.
Protein change: p.Ser1331=; no amino-acid change (serine 1331 retained).
Molecular consequence: synonymous variant.
Genome position (GRCh38, 1-based): chr2:189,010,347, C>T. VCF-style: chr2-189010347-C-T. GRCh37 (hg19) VCF-style: chr2-189875073-C-T.
Identifiers: ClinVar variation 741076 (VCV000741076.12), dbSNP rs750815694, ClinGen allele CA076372.